The following is an entry in ClinVar:

ClinVar aggregate classification (germline): Uncertain significance. Review status: criteria provided, multiple submitters, no conflicts (2 of 4 stars). 2 submissions from 2 submitters: Uncertain significance (2). Last evaluated 2024-11-11.

Conditions:
Joubert syndrome 17 (JBTS17). Identifiers: Orphanet 475, MedGen C3553264, MONDO:0013824, OMIM 614615.
Orofaciodigital syndrome type 6 (OFD6). Also called: Oral-facial-digital syndrome type 6; Central polydactyly cleft lip/palate or lingual lump and psychomotor retardation; Y-shaped central metacarpal and cerebellar defect; Joubert syndrome with orofacialdigital anomalies; POLYDACTYLY, CLEFT LIP/PALATE OR LINGUAL LUMP, AND PSYCHOMOTOR RETARDATION; OROFACIODIGITAL SYNDROME VI. Identifiers: Orphanet 2754, MedGen C2745997, MONDO:0010176, OMIM 277170.

Allele frequency attached by ClinVar (database versions not stated): gnomAD 0.00002; TOPMed 0.00002; gnomAD exomes 0.00003 and 0.00006; ExAC 0.00006; 1000 Genomes Project 30x 0.00016; 1000 Genomes Project 0.00020.
gnomAD v4.1: 53 of 1,614,186 alleles (0.0033%); highest among the groups gnomAD compares: South Asian, 0.056%; no homozygotes.

Submissions (2):

Labcorp Genetics (formerly Invitae), Labcorp
Classification: Uncertain significance. Last evaluated: 2024-11-11. Review status: criteria provided, single submitter. Criteria: Invitae Variant Classification Sherloc (09022015). Collection method: clinical testing. Allele origin: germline.
Comment: This sequence change replaces histidine, which is basic and polar, with arginine, which is basic and polar, at codon 2215 of the CPLANE1 protein (p.His2215Arg). This variant is present in population databases (rs556705113, gnomAD 0.05%). This variant has not been reported in the literature in individuals affected with CPLANE1-related conditions. ClinVar contains an entry for this variant (Variation ID: 1522454). Invitae Evidence Modeling of protein sequence and biophysical properties (such as structural, functional, and spatial information, amino acid conservation, physicochemical variation, residue mobility, and thermodynamic stability) indicates that this missense variant is not expected to disrupt CPLANE1 protein function with a negative predictive value of 95%. In summary, the available evidence is currently insufficient to determine the role of this variant in disease. Therefore, it has been classified as a Variant of Uncertain Significance.

Fulgent Genetics
Classification: Uncertain significance for Orofaciodigital syndrome type 6; Joubert syndrome 17. Last evaluated: 2022-03-30. Review status: criteria provided, single submitter. Criteria: ACMG Guidelines, 2015. Collection method: clinical testing. Allele origin: unknown.

NM_001384732.1(CPLANE1):c.6644A>G (p.His2215Arg)

Gene: CPLANE1 (ciliogenesis and planar polarity effector complex subunit 1; minus strand). Cytogenetic location: 5p13.2.
Variant type: single nucleotide variant.
Coding change: c.6644A>G on transcript NM_001384732.1 (MANE Select); coding-DNA position 6644, A replaced by G.
Protein change: p.His2215Arg; replaces histidine 2215 with arginine.
Molecular consequence: missense variant.
Genome position (GRCh38, 1-based): chr5:37,169,380, T>C on the plus strand (A>G on the coding strand, the complement: CPLANE1 is on the minus strand). VCF-style: chr5-37169380-T-C. GRCh37 (hg19) VCF-style: chr5-37169482-T-C.
Other names: c.6644A>G, p.His2215Arg (NM_023073.4); short protein forms H2215R.
Identifiers: ClinVar variation 1522454 (VCV001522454.9), dbSNP rs556705113, ClinGen allele CA3238207.